The following is an entry in ClinVar:

NM_194248.3(OTOF):c.3938C>T (p.Ala1313Val)

Gene: OTOF (otoferlin; minus strand). Cytogenetic location: 2p23.3.
Variant type: single nucleotide variant.
Coding change: c.3938C>T on transcript NM_194248.3 (MANE Select); coding-DNA position 3938, C replaced by T.
Protein change: p.Ala1313Val; replaces alanine 1313 with valine.
Molecular consequence: missense variant.
Genome position (GRCh38, 1-based): chr2:26,470,678, G>A on the plus strand (C>T on the coding strand, the complement: OTOF is on the minus strand). VCF-style: chr2-26470678-G-A. GRCh37 (hg19) VCF-style: chr2-26693546-G-A.
Other names: c.3938C>T, p.Ala1313Val (NM_001287489.2); c.1637C>T, p.Ala546Val (NM_004802.4, NM_194323.3); c.1868C>T, p.Ala623Val (NM_194322.3); short protein forms A623V, A1313V, A546V.
Identifiers: ClinVar variation 1472773 (VCV001472773.5), dbSNP rs143650036, ClinGen allele CA1563347.
Genomic context (GRCh38, chr2:26,470,678, plus strand): 5'-AAGTACTTGGACCACCAGTCCAGCATGCTCTCGTCTGGCTCCTCCTCCTCTGGCTCCTCC[G>A]CAGTGCCCTTCTTCTTCTTCTTCTTCTCCTTCTCCTCCTCAGCCTGCAGGTTGGCCAGGT-3'
Protein context (NP_919224.1, residues 1303-1323): KEKKKKKKGT[Ala1313Val]EEPEEEEPDE

ClinVar aggregate classification (germline): Uncertain significance (1 of 4 stars; one submission).

Allele frequency attached by ClinVar (database versions not stated): gnomAD exomes 0.00001; ExAC 0.00002; gnomAD 0.00002 and 0.00003; TOPMed 0.00002; ESP Exome Variant Server 0.00008.
gnomAD v4.1: 23 of 1,613,758 alleles (0.0014%); highest among the groups gnomAD compares: East Asian, 0.0022%; no homozygotes.

Submission:

Labcorp Genetics (formerly Invitae), Labcorp
Classification: Uncertain significance. Last evaluated: 2021-08-31. Review status: criteria provided, single submitter. Criteria: Invitae Variant Classification Sherloc (09022015). Collection method: clinical testing. Allele origin: germline.
Comment: This sequence change replaces alanine with valine at codon 1313 of the OTOF protein (p.Ala1313Val). The alanine residue is weakly conserved and there is a small physicochemical difference between alanine and valine. This variant is present in population databases (rs143650036, ExAC 0.01%). This variant has not been reported in the literature in individuals affected with OTOF-related conditions. Algorithms developed to predict the effect of missense changes on protein structure and function (SIFT, PolyPhen-2, Align-GVGD) all suggest that this variant is likely to be tolerated. In summary, the available evidence is currently insufficient to determine the role of this variant in disease. Therefore, it has been classified as a Variant of Uncertain Significance.